The following is an entry in ClinVar:

ClinVar aggregate classification (germline): Uncertain significance. Review status: criteria provided, multiple submitters, no conflicts (2 of 4 stars). 3 submissions from 3 submitters: Uncertain significance (3). Last evaluated 2024-01-23.

Conditions:
Inborn genetic diseases. Identifiers: MedGen C0950123, MeSH D030342.
Hydrolethalus syndrome 2 (HLS2). Identifiers: Orphanet 2189, MedGen C3279899, MONDO:0013585, OMIM 614120.
Acrocallosal syndrome (ACLS). Also called: HALLUX DUPLICATION, POSTAXIAL POLYDACTYLY, AND ABSENCE OF CORPUS CALLOSUM; Schinzel syndrome 1; Absence of corpus callosum with unusual facial appearance, mental deficiency, duplication of the halluces and polydactyly. Identifiers: Orphanet 36, MedGen C0796147, MONDO:0008708, OMIM 200990.

Allele frequency attached by ClinVar (database versions not stated): ExAC below 0.00001; gnomAD 0.00001; gnomAD exomes 0.00001 and 0.00002; TOPMed 0.00003.
gnomAD v4.1: 29 of 1,561,374 alleles (0.0019%); highest among the groups gnomAD compares: East Asian, 0.0048%; no homozygotes.

Submissions (3):

Ambry Genetics
Classification: Uncertain significance for Inborn genetic diseases. Last evaluated: 2024-01-23. Review status: criteria provided, single submitter. Criteria: Ambry Variant Classification Scheme 2023. Collection method: clinical testing. Allele origin: germline.

Labcorp Genetics (formerly Invitae), Labcorp
Classification: Uncertain significance for Acrocallosal syndrome. Last evaluated: 2022-12-03. Review status: criteria provided, single submitter. Criteria: Invitae Variant Classification Sherloc (09022015). Collection method: clinical testing. Allele origin: germline.
Comment: This sequence change replaces arginine, which is basic and polar, with glutamine, which is neutral and polar, at codon 993 of the KIF7 protein (p.Arg993Gln). This variant is present in population databases (rs746107537, gnomAD 0.005%). This variant has not been reported in the literature in individuals affected with KIF7-related conditions. ClinVar contains an entry for this variant (Variation ID: 930850). Advanced modeling of protein sequence and biophysical properties (such as structural, functional, and spatial information, amino acid conservation, physicochemical variation, residue mobility, and thermodynamic stability) performed at Invitae indicates that this missense variant is not expected to disrupt KIF7 protein function. In summary, the available evidence is currently insufficient to determine the role of this variant in disease. Therefore, it has been classified as a Variant of Uncertain Significance.

Centre for Mendelian Genomics, University Medical Centre Ljubljana
Classification: Uncertain significance for Hydrolethalus syndrome 2. Last evaluated: 2020-02-20. Review status: criteria provided, single submitter. Criteria: ACMG Guidelines, 2015. Collection method: clinical testing. Allele origin: unknown. Affected: yes.
Comment: This variant was classified as: Uncertain significance. The available evidence on this variant's pathogenicity is insufficient or conflicting. The following ACMG criteria were applied in classifying this variant: PM2,BP1.

NM_198525.3(KIF7):c.2978G>A (p.Arg993Gln)

Gene: KIF7 (kinesin family member 7; minus strand). Cytogenetic location: 15q26.1.
Variant type: single nucleotide variant.
Coding change: c.2978G>A on transcript NM_198525.3 (MANE Select); coding-DNA position 2978, G replaced by A.
Protein change: p.Arg993Gln; replaces arginine 993 with glutamine.
Molecular consequence: missense variant.
Genome position (GRCh38, 1-based): chr15:89,631,628, C>T on the plus strand (G>A on the coding strand, the complement: KIF7 is on the minus strand). VCF-style: chr15-89631628-C-T. GRCh37 (hg19) VCF-style: chr15-90174859-C-T.
Other names: short protein forms R993Q.
Identifiers: ClinVar variation 930850 (VCV000930850.6), dbSNP rs746107537, ClinGen allele CA7727868.